The following is an entry in ClinVar:

ClinVar aggregate classification (germline): Likely benign. Review status: criteria provided, multiple submitters, no conflicts (2 of 4 stars). 2 submissions from 2 submitters: Likely benign (2). Last evaluated 2024-10-04.

Conditions:
Familial cancer of breast. Also called: hereditary breast carcinoma; Hereditary breast cancer; BREAST CANCER, FAMILIAL. Identifiers: Orphanet 227535, MedGen C0346153, MONDO:0016419, OMIM 114480. Disease mechanism: loss of function.

Allele frequency attached by ClinVar (database versions not stated): gnomAD exomes below 0.00001.
gnomAD v4.1: 2 of 1,544,130 alleles (0.00013%); highest among the groups gnomAD compares: East Asian, 0.0022%; no homozygotes.

Submissions (2):

Myriad Genetics, Inc.
Classification: Likely benign for Familial cancer of breast. Last evaluated: 2024-10-04. Review status: criteria provided, single submitter. Criteria: Myriad Autosomal Dominant, Autosomal Recessive and X-Linked Classification Criteria (2023). Collection method: clinical testing. Allele origin: unknown.
Comment: This variant is considered likely benign. This variant is intronic and is not expected to impact mRNA splicing.

Labcorp Genetics (formerly Invitae), Labcorp
Classification: Likely benign for Familial cancer of breast. Last evaluated: 2021-12-17. Review status: criteria provided, single submitter. Criteria: Invitae Variant Classification Sherloc (09022015). Collection method: clinical testing. Allele origin: germline.

NM_007194.4(CHEK2):c.1009-14G>A

Gene: CHEK2 (checkpoint kinase 2; minus strand). Cytogenetic location: 22q12.1.
Variant type: single nucleotide variant.
Coding change: c.1009-14G>A on transcript NM_007194.4 (MANE Select); 14 bases into the intron before coding-DNA position 1009, G replaced by A.
Molecular consequence: intron variant.
Genome position (GRCh38, 1-based): chr22:28,697,001, C>T on the plus strand (G>A on the coding strand, the complement: CHEK2 is on the minus strand). VCF-style: chr22-28697001-C-T. GRCh37 (hg19) VCF-style: chr22-29092989-C-T.
Other names: c.346-14G>A (NM_001437942.1, NM_001257387.3); c.808-14G>A (NM_001349956.3); c.1009-1128G>A (NM_145862.3); c.1102-1128G>A (NM_001438295.1); c.1102-14G>A (NM_001438293.1); c.1138-1128G>A (NM_001438294.1); c.1138-14G>A (NM_001005735.3).
Identifiers: ClinVar variation 2045303 (VCV002045303.5), dbSNP rs1172442364, ClinGen allele CA638798400.